The following is an entry in ClinVar:

ClinVar aggregate classification (germline): Uncertain significance. Review status: criteria provided, multiple submitters, no conflicts (2 of 4 stars). 2 submissions from 2 submitters: Uncertain significance (2). Last evaluated 2024-12-12.

Conditions:
Polycystic kidney disease, adult type (PKD1). Also called: Polycystic Kidney Disease 1, Autosomal Dominant; Polycystic kidney disease 1; Polycystic kidney disease 1, severe; Polycystic Kidney, Autosomal Dominant; POLYCYSTIC KIDNEY DISEASE 1 WITH OR WITHOUT POLYCYSTIC LIVER DISEASE; POLYCYSTIC KIDNEY DISEASE, ADULT, TYPE I. Identifiers: MedGen C3149841, MONDO:0008263, OMIM 173900.

Submissions (2):

Department of Pathology and Laboratory Medicine, Sinai Health System
Classification: Uncertain significance for Polycystic kidney disease, adult type. Last evaluated: 2024-12-12. Review status: criteria provided, single submitter. Criteria: ACMG Guidelines, 2015. Collection method: clinical testing. Allele origin: germline.

GeneDx
Classification: Uncertain significance. Last evaluated: 2022-01-13. Review status: criteria provided, single submitter. Criteria: GeneDx Variant Classification Process June 2021. Collection method: clinical testing. Allele origin: germline. Affected: yes.
Comment: Not observed at significant frequency in large population cohorts (gnomAD); In silico analysis supports that this missense variant has a deleterious effect on protein structure/function; Has not been previously published as pathogenic or benign to our knowledge

NM_001009944.3(PKD1):c.151T>G (p.Cys51Gly)

Gene: PKD1 (polycystin 1, transient receptor potential channel interacting; minus strand). Cytogenetic location: 16p13.3.
Variant type: single nucleotide variant.
Coding change: c.151T>G on transcript NM_001009944.3 (MANE Select); coding-DNA position 151, T replaced by G.
Protein change: p.Cys51Gly; replaces cysteine 51 with glycine.
Molecular consequence: missense variant.
Genome position (GRCh38, 1-based): chr16:2,135,539, A>C on the plus strand (T>G on the coding strand, the complement: PKD1 is on the minus strand). VCF-style: chr16-2135539-A-C. GRCh37 (hg19) VCF-style: chr16-2185540-A-C.
Other names: c.151T>G, p.Cys51Gly (NM_000296.4); short protein forms C51G.
Identifiers: ClinVar variation 1697198 (VCV001697198.3), dbSNP rs2151858256, ClinGen allele CA394282413.